The following is an entry in ClinVar:

ClinVar aggregate classification (germline): Uncertain significance (1 of 4 stars; one submission).

Conditions:
Cardiovascular phenotype. Identifiers: MedGen CN230736.

Submission:

Ambry Genetics
Classification: Uncertain significance for Cardiovascular phenotype. Last evaluated: 2020-07-15. Review status: criteria provided, single submitter. Criteria: Ambry Variant Classification Scheme 2023. Collection method: clinical testing. Allele origin: germline.
Comment: The p.E134K variant (also known as c.400G>A), located in coding exon 6 of the CACNA2D1 gene, results from a G to A substitution at nucleotide position 400. The glutamic acid at codon 134 is replaced by lysine, an amino acid with similar properties. This amino acid position is well conserved in available vertebrate species. In addition, this alteration is predicted to be tolerated by in silico analysis. Since supporting evidence is limited at this time, the clinical significance of this alteration remains unclear.

NM_000722.4(CACNA2D1):c.400G>A (p.Glu134Lys)

Gene: CACNA2D1 (calcium voltage-gated channel auxiliary subunit alpha2delta 1; minus strand). Cytogenetic location: 7q21.11.
Variant type: single nucleotide variant.
Coding change: c.400G>A on transcript NM_000722.4 (MANE Select); coding-DNA position 400, G replaced by A.
Protein change: p.Glu134Lys; replaces glutamic acid 134 with lysine.
Molecular consequence: missense variant.
Genome position (GRCh38, 1-based): chr7:82,117,170, C>T on the plus strand (G>A on the coding strand, the complement: CACNA2D1 is on the minus strand). VCF-style: chr7-82117170-C-T. GRCh37 (hg19) VCF-style: chr7-81746486-C-T.
Other names: c.400G>A, p.Glu134Lys (NM_001302890.2, NM_001366867.1); short protein forms E134K.
Identifiers: ClinVar variation 1737008 (VCV001737008.2), dbSNP rs1554412676, ClinGen allele CA368017234.